The following is an entry in ClinVar:

NM_000465.4(BARD1):c.83del (p.Pro28fs)

Gene: BARD1 (BRCA1 associated RING domain 1; minus strand). Cytogenetic location: 2q35.
Variant type: Deletion.
Coding change: c.83del on transcript NM_000465.4 (MANE Select); coding-DNA position 83, one base deleted (C; older notation c.83delC).
Protein change: p.Pro28fs; shifts the reading frame from proline 28.
Molecular consequence: frameshift variant. On other transcripts: non-coding transcript variant (3).
Genome position (GRCh38, 1-based): chr2:214,809,487, G deleted on the plus strand (C on the coding strand, the reverse complement: BARD1 is on the minus strand); the first of 2 consecutive G bases (chr2:214,809,487-214,809,488); deleting either gives the same sequence. VCF-style (leftmost placement, unchanged base first): chr2-214809486-CG-C. GRCh37 (hg19) VCF-style: chr2-215674210-CG-C.
Other names: c.83del, p.Pro28fs (NM_001282543.2, NM_001282545.2, NM_001282548.2 and 1 more transcripts); c.83delC (NM_000465.2); short protein forms P28fs.
Identifiers: ClinVar variation 1450984 (VCV001450984.8), dbSNP rs2106171367, ClinGen allele CA2573135149.

ClinVar aggregate classification (germline): Pathogenic. Review status: criteria provided, multiple submitters, no conflicts (2 of 4 stars). 2 submissions from 2 submitters: Pathogenic (2). Last evaluated 2026-08-17.

Conditions:
Familial cancer of breast. Also called: Hereditary breast cancer; BREAST CANCER, FAMILIAL; hereditary breast carcinoma. Identifiers: Orphanet 227535, MedGen C0346153, MONDO:0016419, OMIM 114480. Disease mechanism: loss of function.
Hereditary cancer-predisposing syndrome. Also called: Hereditary Cancer Syndrome; Tumor predisposition; Neoplastic Syndromes, Hereditary; Hereditary neoplastic syndrome. Identifiers: Orphanet 140162, MedGen C0027672, MeSH D009386, MONDO:0015356.

Submissions (2):

Ambry Genetics
Classification: Pathogenic for Hereditary cancer-predisposing syndrome. Last evaluated: 2026-08-17. Review status: criteria provided, single submitter. Criteria: Ambry Variant Classification Scheme 2023. Collection method: clinical testing. Allele origin: germline.
Comment: The c.83delC pathogenic mutation, located in coding exon 1 of the BARD1 gene, results from a deletion of one nucleotide at nucleotide position 83, causing a translational frameshift with a predicted alternate stop codon (p.P28Rfs*30). This variant is considered to be rare based on population cohorts in the Genome Aggregation Database (gnomAD). This alteration is expected to result in loss of function by premature protein truncation or nonsense-mediated mRNA decay. As such, this alteration is interpreted as a disease-causing mutation. This amino acid position is highly conserved in available vertebrate species.

Labcorp Genetics (formerly Invitae), Labcorp
Classification: Pathogenic for Familial cancer of breast. Last evaluated: 2021-11-23. Review status: criteria provided, single submitter. Criteria: Invitae Variant Classification Sherloc (09022015). Collection method: clinical testing. Allele origin: germline.
Comment: For these reasons, this variant has been classified as Pathogenic. This sequence change creates a premature translational stop signal (p.Pro28Argfs*30) in the BARD1 gene. It is expected to result in an absent or disrupted protein product. Loss-of-function variants in BARD1 are known to be pathogenic (PMID: 20077502, 21344236). This variant is not present in population databases (gnomAD no frequency). This variant has not been reported in the literature in individuals affected with BARD1-related conditions.

Literature cited by the submitters: PubMed 20077502 (cited by Labcorp Genetics (formerly Invitae), Labcorp); PubMed 21344236 (cited by Labcorp Genetics (formerly Invitae), Labcorp).